The following is an entry in ClinVar:

ClinVar aggregate classification (germline): Uncertain significance. Review status: criteria provided, multiple submitters, no conflicts (2 of 4 stars). 2 submissions from 2 submitters: Uncertain significance (2). Last evaluated 2024-06-30.

Conditions:
Hereditary cancer-predisposing syndrome. Also called: Hereditary Cancer Syndrome; Hereditary neoplastic syndrome; Neoplastic Syndromes, Hereditary; Tumor predisposition. Identifiers: Orphanet 140162, MedGen C0027672, MeSH D009386, MONDO:0015356.

gnomAD v4.1: 1 of 1,609,846 alleles (0.000062%); highest among the groups gnomAD compares: South Asian, 0.0011%; no homozygotes.

Submissions (2):

Labcorp Genetics (formerly Invitae), Labcorp
Classification: Uncertain significance. Last evaluated: 2024-06-30. Review status: criteria provided, single submitter. Criteria: Invitae Variant Classification Sherloc (09022015). Collection method: clinical testing. Allele origin: germline.
Comment: This sequence change replaces glutamine, which is neutral and polar, with lysine, which is basic and polar, at codon 192 of the MSH3 protein (p.Gln192Lys). This variant is not present in population databases (gnomAD no frequency). This variant has not been reported in the literature in individuals affected with MSH3-related conditions. ClinVar contains an entry for this variant (Variation ID: 1749426). An algorithm developed to predict the effect of missense changes on protein structure and function (PolyPhen-2) suggests that this variant is likely to be tolerated. In summary, the available evidence is currently insufficient to determine the role of this variant in disease. Therefore, it has been classified as a Variant of Uncertain Significance.

Ambry Genetics
Classification: Uncertain significance for Hereditary cancer-predisposing syndrome. Last evaluated: 2022-10-12. Review status: criteria provided, single submitter. Criteria: Ambry Variant Classification Scheme 2023. Collection method: clinical testing. Allele origin: germline.
Comment: The p.Q192K variant (also known as c.574C>A), located in coding exon 3 of the MSH3 gene, results from a C to A substitution at nucleotide position 574. The glutamine at codon 192 is replaced by lysine, an amino acid with similar properties. This amino acid position is conserved. In addition, this alteration is predicted to be tolerated by in silico analysis. Since supporting evidence is limited at this time, the clinical significance of this alteration remains unclear.

NM_002439.5(MSH3):c.574C>A (p.Gln192Lys)

Gene: MSH3 (mutS homolog 3; plus strand). Cytogenetic location: 5q14.1.
Variant type: single nucleotide variant.
Coding change: c.574C>A on transcript NM_002439.5 (MANE Select); coding-DNA position 574, C replaced by A.
Protein change: p.Gln192Lys; replaces glutamine 192 with lysine.
Molecular consequence: missense variant.
Genome position (GRCh38, 1-based): chr5:80,665,358, C>A. VCF-style: chr5-80665358-C-A. GRCh37 (hg19) VCF-style: chr5-79961177-C-A.
Other names: short protein forms Q192K.
Identifiers: ClinVar variation 1749426 (VCV001749426.4), dbSNP rs374133543, ClinGen allele CA360264620.
Genomic context (GRCh38, chr5:80,665,358, plus strand): 5'-ATCAGTCTTCTACACGCAAAGAATGCAGTTTCTTCTGAAGATTCGAAACGTCAAATTAAT[C>A]AAAAGGTATGTAACTGCTATAGATGAGTATCCAGTTACCTAGAATAGTGGGTTCTGAAGT-3'
Protein context (NP_002430.3, residues 182-202): SSEDSKRQIN[Gln192Lys]KDTTLFDLSQ